The following is an entry in ClinVar:

NM_001397406.1(FDX2):c.256G>A (p.Val86Ile)

Genes: FDX2 (ferredoxin 2; minus strand), FDX2-ZGLP1 (FDX2-ZGLP1 readthrough (NMD candidate); minus strand). Cytogenetic location: 19p13.2.
Variant type: single nucleotide variant.
Coding change: c.256G>A on transcript NM_001397406.1 (MANE Select); coding-DNA position 256, G replaced by A.
Protein change: p.Val86Ile; replaces valine 86 with isoleucine.
Molecular consequence: missense variant.
Genome position (GRCh38, 1-based): chr19:10,315,437, C>T on the plus strand (G>A on the coding strand, the complement: FDX2 is on the minus strand). VCF-style: chr19-10315437-C-T. GRCh37 (hg19) VCF-style: chr19-10426113-C-T.
Other names: c.265G>A, p.Val89Ile (NM_001031734.4); short protein forms V86I, V89I.
Identifiers: ClinVar variation 1927136 (VCV001927136.6), dbSNP rs754898520, ClinGen allele CA9191263.

ClinVar aggregate classification (germline): Uncertain significance. Review status: criteria provided, multiple submitters, no conflicts (2 of 4 stars). 2 submissions from 2 submitters: Uncertain significance (2). Last evaluated 2024-05-09.

Allele frequency attached by ClinVar (database versions not stated): ExAC 0.00001; gnomAD 0.00001; gnomAD exomes 0.00001; TOPMed 0.00001.
gnomAD v4.1: 12 of 1,613,504 alleles (0.00074%); highest among the groups gnomAD compares: Non-Finnish European, 0.001%; no homozygotes.

Submissions (2):

Labcorp Genetics (formerly Invitae), Labcorp
Classification: Uncertain significance. Last evaluated: 2024-05-09. Review status: criteria provided, single submitter. Criteria: Invitae Variant Classification Sherloc (09022015). Collection method: clinical testing. Allele origin: germline.
Comment: This sequence change replaces valine, which is neutral and non-polar, with isoleucine, which is neutral and non-polar, at codon 89 of the FDX2 protein (p.Val89Ile). This variant is present in population databases (rs754898520, gnomAD 0.0009%). This variant has not been reported in the literature in individuals affected with FDX2-related conditions. ClinVar contains an entry for this variant (Variation ID: 1927136). Experimental studies and prediction algorithms are not available or were not evaluated, and the functional significance of this variant is currently unknown. In summary, the available evidence is currently insufficient to determine the role of this variant in disease. Therefore, it has been classified as a Variant of Uncertain Significance.

Blueprint Genetics
Classification: Uncertain significance. Last evaluated: 2022-08-29. Review status: criteria provided, single submitter. Criteria: ACMG Guidelines, 2015. Collection method: clinical testing. Allele origin: germline.